The following is an entry in ClinVar:

NM_001354604.2(MITF):c.596T>C (p.Phe199Ser)

Gene: MITF (melanocyte inducing transcription factor; plus strand). Cytogenetic location: 3p13.
Variant type: single nucleotide variant.
Coding change: c.596T>C on transcript NM_001354604.2 (MANE Select); coding-DNA position 596, T replaced by C.
Protein change: p.Phe199Ser; replaces phenylalanine 199 with serine.
Molecular consequence: missense variant.
Genome position (GRCh38, 1-based): chr3:69,939,111, T>C. VCF-style: chr3-69939111-T-C. GRCh37 (hg19) VCF-style: chr3-69988262-T-C.
Other names: c.593T>C, p.Phe198Ser (NM_001354605.2, NM_001354606.2, NM_006722.3); c.545T>C, p.Phe182Ser (NM_001354607.2); c.440T>C, p.Phe147Ser (NM_001354608.2, NM_001184967.2); c.275T>C, p.Phe92Ser (NM_198158.3, NM_000248.4); c.596T>C, p.Phe199Ser (NM_198159.3); c.548T>C, p.Phe183Ser (NM_198177.3); c.107T>C, p.Phe36Ser (NM_198178.3); short protein forms F92S, F183S, F198S, F147S, F182S, F36S, F199S.
Identifiers: ClinVar variation 4055171 (VCV004055171.2).
Genomic context (GRCh38, chr3:69,939,111, plus strand): 5'-CATTTGCAAATCCAAGTTATAGACTGTTTTTGCTTGTGTTTTTGCAGGGATTTTATAAGT[T>C]TGAAGAGCAAAACAGGGCAGAGAGCGAGTGCCCAGGCATGAACACACATTCACGAGCGTC-3'
Protein context (NP_001341533.1, residues 189-209): SNCEKEGFYK[Phe199Ser]EEQNRAESEC

ClinVar aggregate classification (germline): Uncertain significance. Review status: criteria provided, multiple submitters, no conflicts (2 of 4 stars). 2 submissions from 2 submitters: Uncertain significance (2). Last evaluated 2025-03-29.

Conditions:
Hereditary cancer-predisposing syndrome. Also called: Neoplastic Syndromes, Hereditary; Tumor predisposition; Hereditary neoplastic syndrome; Hereditary Cancer Syndrome. Identifiers: Orphanet 140162, MedGen C0027672, MeSH D009386, MONDO:0015356.
Tietz syndrome (TADS). Also called: ALBINISM-DEAFNESS OF TIETZ; HYPOPIGMENTATION/DEAFNESS OF TIETZ; TIETZ ALBINISM-DEAFNESS SYNDROME. Identifiers: Orphanet 42665, MedGen C0391816, MONDO:0007077, OMIM 103500.
Melanoma, cutaneous malignant, susceptibility to, 8. Also called: MELANOMA AND RENAL CELL CARCINOMA, SUSCEPTIBILITY TO; Cutaneous malignant melanoma 8. Identifiers: Orphanet 293822, MedGen C3152204, MONDO:0013759, OMIM 614456.
Waardenburg syndrome type 2A (WS2A). Also called: WAARDENBURG SYNDROME WITHOUT DYSTOPIA CANTHORUM. Identifiers: Orphanet 3440, MedGen C1860339, MONDO:0008671, OMIM 193510.

Submissions (2):

Labcorp Genetics (formerly Invitae), Labcorp
Classification: Uncertain significance for Melanoma, cutaneous malignant, susceptibility to, 8; Waardenburg syndrome type 2A; Tietz syndrome. Last evaluated: 2025-03-29. Review status: criteria provided, single submitter. Criteria: Invitae Variant Classification Sherloc (09022015). Collection method: clinical testing. Allele origin: germline.
Comment: This sequence change replaces phenylalanine, which is neutral and non-polar, with serine, which is neutral and polar, at codon 92 of the MITF protein (p.Phe92Ser). This variant is not present in population databases (gnomAD no frequency). This variant has not been reported in the literature in individuals affected with MITF-related conditions. An algorithm developed to predict the effect of missense changes on protein structure and function (PolyPhen-2) suggests that this variant is likely to be disruptive. In summary, the available evidence is currently insufficient to determine the role of this variant in disease. Therefore, it has been classified as a Variant of Uncertain Significance.

Ambry Genetics
Classification: Uncertain significance for Hereditary cancer-predisposing syndrome. Last evaluated: 2025-03-26. Review status: criteria provided, single submitter. Criteria: Ambry Variant Classification Scheme 2023. Collection method: clinical testing. Allele origin: germline.
Comment: The p.F92S variant (also known as c.275T>C), located in coding exon 3 of the MITF gene, results from a T to C substitution at nucleotide position 275. The phenylalanine at codon 92 is replaced by serine, an amino acid with highly dissimilar properties. This amino acid position is conserved. In addition, the in silico prediction for this alteration is inconclusive. Based on the available evidence, the clinical significance of this variant remains unclear.